The following is an entry in ClinVar:

NM_004523.4(KIF11):c.2775G>A (p.Thr925=)

Gene: KIF11 (kinesin family member 11; plus strand). Cytogenetic location: 10q23.33.
Variant type: single nucleotide variant.
Coding change: c.2775G>A on transcript NM_004523.4 (MANE Select); coding-DNA position 2775, G replaced by A.
Protein change: p.Thr925=; no amino-acid change (threonine 925 retained).
Molecular consequence: synonymous variant.
Genome position (GRCh38, 1-based): chr10:92,649,839, G>A. VCF-style: chr10-92649839-G-A. GRCh37 (hg19) VCF-style: chr10-94409596-G-A.
Identifiers: ClinVar variation 714223 (VCV000714223.42), dbSNP rs138462002, ClinGen allele CA5604467.

ClinVar aggregate classification (germline): Benign/Likely benign. Review status: criteria provided, multiple submitters, no conflicts (2 of 4 stars). 6 submissions from 6 submitters: Benign (1); Likely benign (3). 2 of the submissions do not count toward it. Last evaluated 2026-09-01.

Allele frequency attached by ClinVar (database versions not stated): ExAC 0.00042; gnomAD 0.00045 and 0.00047; ESP Exome Variant Server 0.00046; TOPMed 0.00049; gnomAD exomes 0.00052.
gnomAD v4.1: 1,202 of 1,601,774 alleles (0.075%); highest among the groups gnomAD compares: Non-Finnish European, 0.091%; 4 homozygotes.

Submissions (6):

CeGaT Center for Human Genetics Tuebingen
Classification: Likely benign. Last evaluated: 2026-09-01. Review status: criteria provided, single submitter. Criteria: CeGaT Center For Human Genetics Tuebingen Variant Classification Criteria Version 2. Collection method: clinical testing. Allele origin: germline. Affected: yes. Observed: 3 variant alleles.
Comment: KIF11: BP4, BP7

Labcorp Genetics (formerly Invitae), Labcorp
Classification: Likely benign. Last evaluated: 2026-02-01. Review status: criteria provided, single submitter. Criteria: Invitae Variant Classification Sherloc (09022015). Collection method: clinical testing. Allele origin: germline.

Blueprint Genetics
Classification: Likely benign. Last evaluated: 2024-10-09. Review status: criteria provided, single submitter. Criteria: ACMG Guidelines, 2015. Collection method: clinical testing. Allele origin: germline.

Genetic Services Laboratory, University of Chicago
Classification: Benign. Last evaluated: 2018-07-17. Review status: criteria provided, single submitter. Criteria: ACMG Guidelines, 2015. Collection method: clinical testing. Allele origin: germline. Affected: no.

Clinical Genetics DNA and cytogenetics Diagnostics Lab, Erasmus MC, Erasmus Medical Center
Classification: Likely benign. Review status: no assertion criteria provided. Collection method: clinical testing. Allele origin: germline. Affected: yes. Study: VKGL Data-share Consensus. Not counted in ClinVar's aggregate classification.

Clinical Genetics, Academic Medical Center
Classification: Likely benign. Review status: no assertion criteria provided. Collection method: clinical testing. Allele origin: germline. Affected: yes. Study: VKGL Data-share Consensus. Not counted in ClinVar's aggregate classification.